The following is an entry in ClinVar:

NM_002469.3(MYF6):c.334G>T (p.Ala112Ser)

Gene: MYF6 (myogenic factor 6; plus strand). Cytogenetic location: 12q21.31.
Variant type: single nucleotide variant.
Coding change: c.334G>T on transcript NM_002469.3 (MANE Select); coding-DNA position 334, G replaced by T.
Protein change: p.Ala112Ser; replaces alanine 112 with serine.
Molecular consequence: missense variant.
Genome position (GRCh38, 1-based): chr12:80,708,053, G>T. VCF-style: chr12-80708053-G-T. GRCh37 (hg19) VCF-style: chr12-81101832-G-T.
Other names: MYF6, ALA112SER (rs28928909); short protein forms A112S.
Identifiers: ClinVar variation 14153 (VCV000014153.20), dbSNP rs28928909, ClinGen allele CA123770.

ClinVar aggregate classification (germline): Conflicting classifications of pathogenicity. Review status: criteria provided, conflicting classifications (1 of 4 stars). 7 submissions from 7 submitters: Uncertain significance (5); Likely benign (1). 1 of the submissions does not count toward it. Last evaluated 2026-03-25.

Conditions:
MYF6-related disorder. Also called: MYF6-related condition.
Autosomal dominant centronuclear myopathy. Also called: Myopathy, centronuclear, 3; MYOTUBULAR MYOPATHY, AUTOSOMAL DOMINANT. Identifiers: Orphanet 169189, MedGen C4551952, MeSH D020914, MONDO:0008048, OMIM 160150.

Allele frequency attached by ClinVar (database versions not stated): 1000 Genomes Project 0.00060; 1000 Genomes Project 30x 0.00062; TOPMed 0.00104; gnomAD exomes 0.00112 and 0.00153; ExAC 0.00114; gnomAD 0.00119 and 0.00121.
gnomAD v4.1: 2,397 of 1,614,160 alleles (0.15%); highest among the groups gnomAD compares: Non-Finnish European, 0.17%; 2 homozygotes.

Submissions (7):

PreventionGenetics, part of Exact Sciences
Classification: Uncertain significance for MYF6-related condition. Last evaluated: 2026-03-25. Review status: criteria provided, single submitter. Criteria: ACMG Guidelines, 2015. Collection method: clinical testing. Allele origin: germline.
Comment: The MYF6 c.334G>T variant is predicted to result in the amino acid substitution p.Ala112Ser. This variant has been reported in the literature in patients with myopathy and limb-girdle weakness; however, no additional functional or segregation studies have confirmed its pathogenicity (Kerst et al. 2000. PubMed ID: 11053684; Töpf A et al. 2020. PubMed ID: 32528171). This variant is reported in 0.17% of alleles in individuals of European (Finnish) descent, and in over 300 total alleles in the gnomAD database. Although we suspect that this variant may be benign, at this time, the clinical significance of this variant is uncertain due to the absence of conclusive functional and genetic evidence.

Labcorp Genetics (formerly Invitae), Labcorp
Classification: Likely benign for Autosomal dominant centronuclear myopathy. Last evaluated: 2025-09-02. Review status: criteria provided, single submitter. Criteria: Invitae Variant Classification Sherloc (09022015). Collection method: clinical testing. Allele origin: germline.

Department of Pathology and Laboratory Medicine, Sinai Health System
Classification: Uncertain significance for MYF6-related disorder. Last evaluated: 2023-08-22. Review status: criteria provided, single submitter. Criteria: ACMG Guidelines, 2015. Collection method: research. Allele origin: germline.

GeneDx
Classification: Uncertain significance. Last evaluated: 2020-05-21. Review status: criteria provided, single submitter. Criteria: GeneDx Variant Classification Process June 2021. Collection method: clinical testing. Allele origin: germline. Affected: yes.
Comment: In silico analysis supports that this missense variant has a deleterious effect on protein structure/function; This variant is associated with the following publications: (PMID: 11053684, no PMID, 32528171)

Mendelics
Classification: Uncertain significance for Autosomal dominant centronuclear myopathy. Last evaluated: 2019-05-28. Review status: criteria provided, single submitter. Criteria: Mendelics Assertion Criteria 2017. Collection method: clinical testing. Allele origin: unknown.

Centre for Mendelian Genomics, University Medical Centre Ljubljana
Classification: Uncertain significance. Last evaluated: 2019-03-09. Review status: criteria provided, single submitter. Criteria: ACMG Guidelines, 2015. Collection method: clinical testing. Allele origin: unknown. Affected: yes.
Comment: This variant was classified as: Uncertain significance. The following ACMG criteria were applied in classifying this variant: PP3,PP5.

OMIM
Classification: Uncertain significance for RECLASSIFIED - VARIANT OF UNKNOWN SIGNIFICANCE. Last evaluated: 2000-12-01. Review status: no assertion criteria provided. Collection method: literature only. Allele origin: germline. Not counted in ClinVar's aggregate classification.

Literature cited by the submitters: Hamosh, A. Personal Communication. 2019. Baltimore, Md. (cited by OMIM); PubMed 11053684 (cited by OMIM); Scott, A. F. Personal Communication. 2011. Baltimore, Md. (cited by OMIM).